The following is an entry in ClinVar:

ClinVar aggregate classification (germline): Uncertain significance. Review status: criteria provided, multiple submitters, no conflicts (2 of 4 stars). 3 submissions from 3 submitters: Uncertain significance (3). Last evaluated 2025-12-10.

Conditions:
Senior-Loken syndrome 7 (SLSN7). Identifiers: Orphanet 3156, MedGen C3150877, MONDO:0013326, OMIM 613615.
Bardet-Biedl syndrome 16 (BBS16). Identifiers: Orphanet 110, MedGen C3889474, MONDO:0014444, OMIM 615993.
Inborn genetic diseases. Identifiers: MedGen C0950123, MeSH D030342.
SDCCAG8-related disorder. Also called: SDCCAG8-Related Disorders; SDCCAG8-related condition.

gnomAD v4.1: 2 of 1,613,208 alleles (0.00012%); highest among the groups gnomAD compares: Admixed American, 0.0033%; no homozygotes.

Submissions (3):

Ambry Genetics
Classification: Uncertain significance for Inborn genetic diseases. Last evaluated: 2025-12-10. Review status: criteria provided, single submitter. Criteria: Ambry Variant Classification Scheme 2023. Collection method: clinical testing. Allele origin: germline.

PreventionGenetics, part of Exact Sciences
Classification: Uncertain significance for SDCCAG8-related condition. Last evaluated: 2025-12-08. Review status: criteria provided, single submitter. Criteria: ACMG Guidelines, 2015. Collection method: clinical testing. Allele origin: germline.
Comment: The SDCCAG8 c.2072G>A variant is predicted to result in the amino acid substitution p.Arg691Lys. To our knowledge, this variant has not been reported in the literature. This variant is reported in 0.0058% of alleles in individuals of Latino descent in gnomAD. At this time, the clinical significance of this variant is uncertain due to the absence of conclusive functional and genetic evidence.

Fulgent Genetics
Classification: Uncertain significance for Senior-Loken syndrome 7; Bardet-Biedl syndrome 16. Last evaluated: 2024-05-15. Review status: criteria provided, single submitter. Criteria: ACMG Guidelines, 2015. Collection method: clinical testing. Allele origin: germline.

NM_006642.5(SDCCAG8):c.2072G>A (p.Arg691Lys)

Genes: AKT3 (AKT serine/threonine kinase 3; minus strand), SDCCAG8 (SHH signaling and ciliogenesis regulator SDCCAG8; plus strand). Cytogenetic location: 1q43.
Variant type: single nucleotide variant.
Coding change: c.2072G>A on transcript NM_006642.5 (MANE Select); coding-DNA position 2072, G replaced by A.
Protein change: p.Arg691Lys; replaces arginine 691 with lysine.
Molecular consequence: missense variant. On other transcripts: intron variant (1).
Genome position (GRCh38, 1-based): chr1:243,489,100, G>A. VCF-style: chr1-243489100-G-A. GRCh37 (hg19) VCF-style: chr1-243652402-G-A.
Other names: c.2072G>A (NM_006642.3); c.1169G>A, p.Arg390Lys (NM_001350246.2, NM_001350247.2, NM_001350251.2); c.2168G>A, p.Arg723Lys (NM_001350248.2); c.1778G>A, p.Arg593Lys (NM_001350249.2); c.*7-650C>T (NM_181690.2); short protein forms R593K, R723K, R691K, R390K.
Identifiers: ClinVar variation 3582858 (VCV003582858.2).